The following is an entry in ClinVar:

NM_001378452.1(ITPR1):c.3613A>G (p.Arg1205Gly)

Gene: ITPR1 (inositol 1,4,5-trisphosphate receptor type 1; plus strand). Cytogenetic location: 3p26.1.
Variant type: single nucleotide variant.
Coding change: c.3613A>G on transcript NM_001378452.1 (MANE Select); coding-DNA position 3613, A replaced by G.
Protein change: p.Arg1205Gly; replaces arginine 1205 with glycine.
Molecular consequence: missense variant.
Genome position (GRCh38, 1-based): chr3:4,685,117, A>G. VCF-style: chr3-4685117-A-G. GRCh37 (hg19) VCF-style: chr3-4726801-A-G.
Other names: c.3586A>G, p.Arg1196Gly (NM_001099952.4); c.3568A>G, p.Arg1190Gly (NM_001168272.2); c.3541A>G, p.Arg1181Gly (NM_002222.7); short protein forms R1196G, R1181G, R1190G, R1205G.
Identifiers: ClinVar variation 2766012 (VCV002766012.3), dbSNP rs2469800471, ClinGen allele CA351651541.

ClinVar aggregate classification (germline): Uncertain significance (1 of 4 stars; one submission).

Submission:

Labcorp Genetics (formerly Invitae), Labcorp
Classification: Uncertain significance. Last evaluated: 2023-10-05. Review status: criteria provided, single submitter. Criteria: Invitae Variant Classification Sherloc (09022015). Collection method: clinical testing. Allele origin: germline.
Comment: This sequence change replaces arginine, which is basic and polar, with glycine, which is neutral and non-polar, at codon 1181 of the ITPR1 protein (p.Arg1181Gly). This variant is not present in population databases (gnomAD no frequency). This variant has not been reported in the literature in individuals affected with ITPR1-related conditions. Advanced modeling of protein sequence and biophysical properties (such as structural, functional, and spatial information, amino acid conservation, physicochemical variation, residue mobility, and thermodynamic stability) performed at Invitae indicates that this missense variant is not expected to disrupt ITPR1 protein function. In summary, the available evidence is currently insufficient to determine the role of this variant in disease. Therefore, it has been classified as a Variant of Uncertain Significance.